The following is an entry in ClinVar:

ClinVar aggregate classification (germline): Uncertain significance. Review status: criteria provided, multiple submitters, no conflicts (2 of 4 stars). 2 submissions from 2 submitters: Uncertain significance (2). Last evaluated 2026-01-18.

Conditions:
Hereditary cancer-predisposing syndrome. Also called: Neoplastic Syndromes, Hereditary; Hereditary neoplastic syndrome; Tumor predisposition; Hereditary Cancer Syndrome. Identifiers: Orphanet 140162, MedGen C0027672, MeSH D009386, MONDO:0015356.
Tuberous sclerosis 2 (TSC2). Identifiers: Orphanet 805, MedGen C1860707, MONDO:0013199, OMIM 613254.

Submissions (2):

Ambry Genetics
Classification: Uncertain significance for Hereditary cancer-predisposing syndrome. Last evaluated: 2026-01-18. Review status: criteria provided, single submitter. Criteria: Ambry Variant Classification Scheme 2023. Collection method: clinical testing. Allele origin: germline.
Comment: The p.R943I variant (also known as c.2828G>T), located in coding exon 24 of the TSC2 gene, results from a G to T substitution at nucleotide position 2828. The arginine at codon 943 is replaced by isoleucine, an amino acid with similar properties. This amino acid position is conserved. In addition, this alteration is predicted to be deleterious by in silico analysis. Based on the available evidence, the clinical significance of this variant remains unclear.

Labcorp Genetics (formerly Invitae), Labcorp
Classification: Uncertain significance for Tuberous sclerosis 2. Last evaluated: 2025-10-29. Review status: criteria provided, single submitter. Criteria: Invitae Variant Classification Sherloc (09022015). Collection method: clinical testing. Allele origin: germline.
Comment: This sequence change replaces arginine, which is basic and polar, with isoleucine, which is neutral and non-polar, at codon 943 of the TSC2 protein (p.Arg943Ile). This variant is not present in population databases (gnomAD no frequency). This variant has not been reported in the literature in individuals affected with TSC2-related conditions. Invitae Evidence Modeling of protein sequence and biophysical properties (such as structural, functional, and spatial information, amino acid conservation, physicochemical variation, residue mobility, and thermodynamic stability) indicates that this missense variant is not expected to disrupt TSC2 protein function with a negative predictive value of 95%. In summary, the available evidence is currently insufficient to determine the role of this variant in disease. Therefore, it has been classified as a Variant of Uncertain Significance.

NM_000548.5(TSC2):c.2828G>T (p.Arg943Ile)

Gene: TSC2 (TSC complex subunit 2; plus strand). Cytogenetic location: 16p13.3.
Variant type: single nucleotide variant.
Coding change: c.2828G>T on transcript NM_000548.5 (MANE Select); coding-DNA position 2828, G replaced by T.
Protein change: p.Arg943Ile; replaces arginine 943 with isoleucine.
Molecular consequence: missense variant. On other transcripts: non-coding transcript variant (5).
Genome position (GRCh38, 1-based): chr16:2,076,576, G>T. VCF-style: chr16-2076576-G-T. GRCh37 (hg19) VCF-style: chr16-2126577-G-T.
Other names: c.2717G>T, p.Arg906Ile (NM_001406678.1, NM_001318827.2, NM_001406670.1); c.2681G>T, p.Arg894Ile (NM_001406679.1, NM_001318829.2, NM_001406675.1 and 1 more transcripts); c.2228G>T, p.Arg743Ile (NM_001406680.1, NM_001406682.1, NM_001406683.1 and 6 more transcripts); c.2366G>T, p.Arg789Ile (NM_001406681.1); c.2828G>T, p.Arg943Ile (NM_001114382.3, NM_001363528.2, NM_001370404.1 and 6 more transcripts); c.2861G>T, p.Arg954Ile (NM_001318832.2); c.1484G>T, p.Arg495Ile (NM_001406697.1, NM_001406689.1, NM_001406690.1 and 6 more transcripts); c.1226G>T, p.Arg409Ile (NM_001406698.1); and 3 more; short protein forms R409I, R924I, R939I, R894I, R906I, R954I, R495I, R943I.
Identifiers: ClinVar variation 4772204 (VCV004772204.2).